The following is an entry in ClinVar:

ClinVar aggregate classification (germline): Uncertain significance (1 of 4 stars; one submission).

gnomAD v4.1: 5 of 1,613,994 alleles (0.00031%); highest among the groups gnomAD compares: Non-Finnish European, 0.00042%; no homozygotes.

Submission:

Ambry Genetics
Classification: Uncertain significance. Last evaluated: 2024-05-27. Review status: criteria provided, single submitter. Criteria: Ambry Variant Classification Scheme 2023. Collection method: clinical testing. Allele origin: germline.
Comment: The p.C998R variant (also known as c.2992T>C), located in coding exon 4 of the ALPK2 gene, results from a T to C substitution at nucleotide position 2992. The cysteine at codon 998 is replaced by arginine, an amino acid with highly dissimilar properties. This amino acid position is conserved. In addition, this alteration is predicted to be tolerated by in silico analysis. Based on the available evidence, the clinical significance of this variant remains unclear.

NM_052947.4(ALPK2):c.2992T>C (p.Cys998Arg)

Gene: ALPK2 (alpha kinase 2; minus strand). Cytogenetic location: 18q21.31.
Variant type: single nucleotide variant.
Coding change: c.2992T>C on transcript NM_052947.4 (MANE Select); coding-DNA position 2992, T replaced by C.
Protein change: p.Cys998Arg; replaces cysteine 998 with arginine.
Molecular consequence: missense variant.
Genome position (GRCh38, 1-based): chr18:58,537,195, A>G on the plus strand (T>C on the coding strand, the complement: ALPK2 is on the minus strand). VCF-style: chr18-58537195-A-G. GRCh37 (hg19) VCF-style: chr18-56204427-A-G.
Other names: short protein forms C998R.
Identifiers: ClinVar variation 3290563 (VCV003290563.1).